The following is an entry in ClinVar:

NM_001349999.2(RBFOX2):c.1218C>G (p.Tyr406Ter)

Gene: RBFOX2 (RNA binding fox-1 homolog 2; minus strand). Cytogenetic location: 22q12.3.
Variant type: single nucleotide variant.
Coding change: c.1218C>G on transcript NM_001349999.2 (MANE Select); coding-DNA position 1218, C replaced by G.
Protein change: p.Tyr406Ter; replaces tyrosine 406 with a stop codon.
Molecular consequence: nonsense. On other transcripts: missense variant (12).
Genome position (GRCh38, 1-based): chr22:35,746,481, G>C on the plus strand (C>G on the coding strand, the complement: RBFOX2 is on the minus strand). VCF-style: chr22-35746481-G-C. GRCh37 (hg19) VCF-style: chr22-36142528-G-C.
Other names: c.1017C>G, p.Tyr339Ter (NM_001031695.4); c.1005C>G, p.Tyr335Ter (NM_001082576.3); c.977C>G, p.Thr326Arg (NM_001082577.3); c.1230C>G, p.Tyr410Ter (NM_001082578.4); c.1227C>G, p.Tyr409Ter (NM_001082579.3); c.1103C>G, p.Thr368Arg (NM_001349982.2); c.1037C>G, p.Thr346Arg (NM_001349983.2); c.1083C>G, p.Tyr361Ter (NM_001349989.2); and 14 more; short protein forms T323R, T350R, T372R, Y335*, Y339*, Y361*, Y374*, Y404*.
Identifiers: ClinVar variation 4151401 (VCV004151401.1).

ClinVar aggregate classification (germline): Pathogenic (1 of 4 stars; one submission).

Conditions:
Inborn genetic diseases. Identifiers: MedGen C0950123, MeSH D030342.

Submission:

Ambry Genetics
Classification: Pathogenic for Inborn genetic diseases. Last evaluated: 2025-08-28. Review status: criteria provided, single submitter. Criteria: Ambry Variant Classification Scheme 2023. Collection method: clinical testing. Allele origin: germline.
Comment: The c.1230C>G (p.Y410*) alteration, located in exon 12 (coding exon 12) of the RBFOX2 gene, consists of a C to G substitution at nucleotide position 1230. This changes the amino acid from a tyrosine (Y) to a stop codon at amino acid position 410. This alteration is expected to result in loss of function by premature protein truncation or nonsense-mediated mRNA decay. This variant was not reported in population-based cohorts in the Genome Aggregation Database (gnomAD). Based on the available evidence, this alteration is classified as pathogenic.